The following is an entry in ClinVar:

NM_015335.5(MED13L):c.6239G>A (p.Arg2080His)

Gene: MED13L (mediator complex subunit 13L; minus strand). Cytogenetic location: 12q24.21.
Variant type: single nucleotide variant.
Coding change: c.6239G>A on transcript NM_015335.5 (MANE Select); coding-DNA position 6239, G replaced by A.
Protein change: p.Arg2080His; replaces arginine 2080 with histidine.
Molecular consequence: missense variant.
Genome position (GRCh38, 1-based): chr12:115,966,230, C>T on the plus strand (G>A on the coding strand, the complement: MED13L is on the minus strand). VCF-style: chr12-115966230-C-T. GRCh37 (hg19) VCF-style: chr12-116404035-C-T.
Other names: short protein forms R2080H.
Identifiers: ClinVar variation 3703362 (VCV003703362.2).

ClinVar aggregate classification (germline): Uncertain significance (1 of 4 stars; one submission).

Conditions:
Dextro-looped transposition of the great arteries. Also called: Dextrotransposition of the great arteries. Identifiers: Orphanet 860, MedGen C3531771, MONDO:0019443, OMIM 608808, HP:0031348.

gnomAD v4.1: 6 of 1,613,960 alleles (0.00037%); highest among the groups gnomAD compares: Non-Finnish European, 0.00034%; no homozygotes.

Submission:

Labcorp Genetics (formerly Invitae), Labcorp
Classification: Uncertain significance for Dextro-looped transposition of the great arteries. Last evaluated: 2024-08-08. Review status: criteria provided, single submitter. Criteria: Invitae Variant Classification Sherloc (09022015). Collection method: clinical testing. Allele origin: germline.
Comment: This sequence change replaces arginine, which is basic and polar, with histidine, which is basic and polar, at codon 2080 of the MED13L protein (p.Arg2080His). This variant is present in population databases (no rsID available, gnomAD 0.0009%). This variant has not been reported in the literature in individuals affected with MED13L-related conditions. Advanced modeling of protein sequence and biophysical properties (such as structural, functional, and spatial information, amino acid conservation, physicochemical variation, residue mobility, and thermodynamic stability) performed at Invitae indicates that this missense variant is expected to disrupt MED13L protein function with a positive predictive value of 80%. In summary, the available evidence is currently insufficient to determine the role of this variant in disease. Therefore, it has been classified as a Variant of Uncertain Significance.